The following is an entry in ClinVar:

NM_080669.6(SLC46A1):c.*2853G>A

Genes: SARM1 (sterile alpha and TIR motif containing 1; plus strand), SLC46A1 (solute carrier family 46 member 1; minus strand). Cytogenetic location: 17q11.2.
Variant type: single nucleotide variant.
Coding change: c.*2853G>A on transcript NM_080669.6 (MANE Select); 2853 bases downstream of the stop codon, G replaced by A.
Molecular consequence: 3 prime UTR variant.
Genome position (GRCh38, 1-based): chr17:28,396,803, C>T on the plus strand (G>A on the coding strand, the complement: SLC46A1 is on the minus strand). VCF-style: chr17-28396803-C-T. GRCh37 (hg19) VCF-style: chr17-26723822-C-T.
Other names: c.*2853G>A (NM_001242366.3); c.*517C>T (NM_015077.4).
Identifiers: ClinVar variation 322365 (VCV000322365.6), dbSNP rs739439, ClinGen allele CA10648857.
Genomic context (GRCh38, chr17:28,396,803, plus strand): 5'-GAGTGCCATCATGGCTCTCCACTCAGACTGTGCCTGGCCCCTGCACTTACAACTTCCTGC[C>T]GCTCTGTGGCCTTGCCCTGTAATCACTCAGTGCCCTTAGCTAGCCTGACTAAGTCCCAGA-3'

ClinVar aggregate classification (germline): Benign. Review status: criteria provided, multiple submitters, no conflicts (2 of 4 stars). 2 submissions from 2 submitters: Benign (2). Last evaluated 2018-01-13.

Conditions:
Congenital defect of folate absorption. Also called: Hereditary Folate Malabsorption. Identifiers: Orphanet 90045, MedGen C0342705, MONDO:0009238, OMIM 229050.

Allele frequency attached by ClinVar (database versions not stated): 1000 Genomes Project 30x 0.10103; 1000 Genomes Project 0.10503; TOPMed 0.12306; gnomAD 0.12712 and 0.12789; gnomAD exomes 0.15721.
gnomAD v4.1: 20,232 of 156,128 alleles (13%); highest among the groups gnomAD compares: Middle Eastern, 21%; 1,605 homozygotes.

Submissions (2):

Illumina Laboratory Services, Illumina
Classification: Benign for Congenital defect of folate absorption. Last evaluated: 2018-01-13. Review status: criteria provided, single submitter. Criteria: ICSL Variant Classification Criteria 13 December 2019. Collection method: clinical testing. Allele origin: germline.
Comment: This variant was observed in the ICSL laboratory as part of a predisposition screen in an ostensibly healthy population. It had not been previously curated by ICSL or reported in the Human Gene Mutation Database (HGMD: prior to June 1st, 2018), and was therefore a candidate for classification through an automated scoring system. Utilizing variant allele frequency, disease prevalence and penetrance estimates, and inheritance mode, an automated score was calculated to assess if this variant is too frequent to cause the disease. Based on the score and internal cut-off values, a variant classified as benign is not then subjected to further curation. The score for this variant resulted in a classification of benign for this disease.

Breakthrough Genomics
Classification: Benign. Review status: criteria provided, single submitter. Criteria: ACMG Guidelines, 2015. Collection method: not provided. Allele origin: germline. Inheritance: Autosomal recessive inheritance. Affected: yes.